The following is an entry in ClinVar:

NM_000306.4(POU1F1):c.209T>C (p.Met70Thr)

Gene: POU1F1 (POU class 1 homeobox 1; minus strand). Cytogenetic location: 3p11.2.
Variant type: single nucleotide variant.
Coding change: c.209T>C on transcript NM_000306.4 (MANE Select); coding-DNA position 209, T replaced by C.
Protein change: p.Met70Thr; replaces methionine 70 with threonine.
Molecular consequence: missense variant.
Genome position (GRCh38, 1-based): chr3:87,273,352, A>G on the plus strand (T>C on the coding strand, the complement: POU1F1 is on the minus strand). VCF-style: chr3-87273352-A-G. GRCh37 (hg19) VCF-style: chr3-87322502-A-G.
Other names: c.287T>C, p.Met96Thr (NM_001122757.3); short protein forms M70T, M96T.
Identifiers: ClinVar variation 2209052 (VCV002209052.3), dbSNP rs377313136, ClinGen allele CA2501257.

ClinVar aggregate classification (germline): Uncertain significance. Review status: criteria provided, multiple submitters, no conflicts (2 of 4 stars). 2 submissions from 2 submitters: Uncertain significance (2). Last evaluated 2024-05-30.

Conditions:
Inborn genetic diseases. Identifiers: MedGen C0950123, MeSH D030342.

Allele frequency attached by ClinVar (database versions not stated): gnomAD exomes 0.00002; ExAC 0.00003; gnomAD 0.00003; ESP Exome Variant Server 0.00008; TOPMed 0.00009.

Submissions (2):

GeneDx
Classification: Uncertain significance. Last evaluated: 2024-05-30. Review status: criteria provided, single submitter. Criteria: GeneDx Variant Classification Process June 2021. Collection method: clinical testing. Allele origin: germline. Affected: yes.
Comment: In silico analysis supports that this missense variant has a deleterious effect on protein structure/function; Has not been previously published as pathogenic or benign to our knowledge

Ambry Genetics
Classification: Uncertain significance for Inborn genetic diseases. Last evaluated: 2021-10-06. Review status: criteria provided, single submitter. Criteria: Ambry Variant Classification Scheme 2023. Collection method: clinical testing. Allele origin: germline.